The following is an entry in ClinVar:

NM_005554.4(KRT6A):c.1650G>T (p.Lys550Asn)

Gene: KRT6A (keratin 6A; minus strand). Cytogenetic location: 12q13.13.
Variant type: single nucleotide variant.
Coding change: c.1650G>T on transcript NM_005554.4 (MANE Select); coding-DNA position 1650, G replaced by T.
Protein change: p.Lys550Asn; replaces lysine 550 with asparagine.
Molecular consequence: missense variant.
Genome position (GRCh38, 1-based): chr12:52,487,765, C>A on the plus strand (G>T on the coding strand, the complement: KRT6A is on the minus strand). VCF-style: chr12-52487765-C-A. GRCh37 (hg19) VCF-style: chr12-52881549-C-A.
Other names: short protein forms K550N.
Identifiers: ClinVar variation 2665037 (VCV002665037.4), dbSNP rs577005792, ClinGen allele CA6581739.

ClinVar aggregate classification (germline): Uncertain significance. Review status: criteria provided, multiple submitters, no conflicts (2 of 4 stars). 2 submissions from 2 submitters: Uncertain significance (2). Last evaluated 2023-12-11.

Conditions:
Pachyonychia congenita 3 (PC3). Also called: KRT6A-Related Pachyonychia Congenita; PC-K6a. Identifiers: Orphanet 2309, MedGen C3714948, MONDO:0014324, OMIM 615726.

Allele frequency attached by ClinVar (database versions not stated): gnomAD 0.00005; TOPMed 0.00002; 1000 Genomes Project 30x 0.00031; 1000 Genomes Project 0.00040.
gnomAD v4.1: 24 of 1,614,102 alleles (0.0015%); highest among the groups gnomAD compares: East Asian, 0.051%; no homozygotes.

Submissions (2):

Labcorp Genetics (formerly Invitae), Labcorp
Classification: Uncertain significance. Last evaluated: 2023-12-11. Review status: criteria provided, single submitter. Criteria: Invitae Variant Classification Sherloc (09022015). Collection method: clinical testing. Allele origin: germline.
Comment: This sequence change replaces lysine, which is basic and polar, with asparagine, which is neutral and polar, at codon 550 of the KRT6A protein (p.Lys550Asn). This variant is present in population databases (rs577005792, gnomAD 0.06%). This variant has not been reported in the literature in individuals affected with KRT6A-related conditions. Experimental studies and prediction algorithms are not available or were not evaluated, and the functional significance of this variant is currently unknown. In summary, the available evidence is currently insufficient to determine the role of this variant in disease. Therefore, it has been classified as a Variant of Uncertain Significance.

New York Genome Center
Classification: Uncertain significance for Pachyonychia congenita 3. Last evaluated: 2023-05-19. Review status: criteria provided, single submitter. Criteria: NYGC Assertion Criteria 2020. Collection method: clinical testing. Allele origin: germline. Observed: 1 heterozygote.